The following is an entry in ClinVar:

NM_001145809.2(MYH14):c.1124G>A (p.Arg375Gln)

Gene: MYH14 (myosin heavy chain 14; plus strand). Cytogenetic location: 19q13.33.
Variant type: single nucleotide variant.
Coding change: c.1124G>A on transcript NM_001145809.2 (MANE Select); coding-DNA position 1124, G replaced by A.
Protein change: p.Arg375Gln; replaces arginine 375 with glutamine.
Molecular consequence: missense variant.
Genome position (GRCh38, 1-based): chr19:50,244,251, G>A. VCF-style: chr19-50244251-G-A. GRCh37 (hg19) VCF-style: chr19-50747508-G-A.
Other names: c.1124G>A, p.Arg375Gln (NM_001077186.2); c.1100G>A, p.Arg367Gln (NM_024729.4); c.1124G>A (NM_001145809.1); short protein forms R375Q, R367Q.
Identifiers: ClinVar variation 4943500 (VCV004943500.2).

ClinVar aggregate classification (germline): Uncertain significance. Review status: criteria provided, multiple submitters, no conflicts (2 of 4 stars). 2 submissions from 2 submitters: Uncertain significance (2). Last evaluated 2025-12-11.

Conditions:
MYH14-related disorder. Also called: MYH14-related condition.

gnomAD v4.1: 15 of 1,613,802 alleles (0.00093%); highest among the groups gnomAD compares: Admixed American, 0.0067%; no homozygotes.

Submissions (2):

PreventionGenetics, part of Exact Sciences
Classification: Uncertain significance for MYH14-related condition. Last evaluated: 2025-12-11. Review status: criteria provided, single submitter. Criteria: ACMG Guidelines, 2015. Collection method: clinical testing. Allele origin: germline.
Comment: The MYH14 c.1124G>A variant is predicted to result in the amino acid substitution p.Arg375Gln. To our knowledge, this variant has not been reported in the literature. This variant is reported in 0.0087% of alleles in individuals of Latino descent in gnomAD. At this time, the clinical significance of this variant is uncertain due to the absence of conclusive functional and genetic evidence.

Blueprint Genetics
Classification: Uncertain significance. Last evaluated: 2024-07-02. Review status: criteria provided, single submitter. Criteria: ACMG Guidelines, 2015. Collection method: clinical testing. Allele origin: germline.